The following is an entry in ClinVar:

NM_001378454.1(ALMS1):c.8266G>A (p.Glu2756Lys)

Gene: ALMS1 (ALMS1 centrosome and basal body associated protein; plus strand). Cytogenetic location: 2p13.1.
Variant type: single nucleotide variant.
Coding change: c.8266G>A on transcript NM_001378454.1 (MANE Select); coding-DNA position 8266, G replaced by A.
Protein change: p.Glu2756Lys; replaces glutamic acid 2756 with lysine.
Molecular consequence: missense variant.
Genome position (GRCh38, 1-based): chr2:73,490,225, G>A. VCF-style: chr2-73490225-G-A. GRCh37 (hg19) VCF-style: chr2-73717352-G-A.
Other names: c.8269G>A, p.Glu2757Lys (NM_015120.4); short protein forms E2756K, E2757K.
Identifiers: ClinVar variation 1920278 (VCV001920278.5), dbSNP rs2466215008, ClinGen allele CA347268047.
Genomic context (GRCh38, chr2:73,490,225, plus strand): 5'-GTTACTGAAGGTAGCCAGTGTACTGGAGCATCTGTGGGGGTATTTAATTCTCATTTCACT[G>A]AAGAACAAAATCCTCCCAGAGATCTTAAACAGAAAACCTCTTCCCCTTCATCATTTAAAA-3'
Protein context (NP_001365383.1, residues 2746-2766): SVGVFNSHFT[Glu2756Lys]EQNPPRDLKQ

ClinVar aggregate classification (germline): Uncertain significance (1 of 4 stars; one submission).

Conditions:
Alstrom syndrome (ALMS). Identifiers: Orphanet 64, MedGen C0268425, MONDO:0008763, OMIM 203800.

Submission:

Labcorp Genetics (formerly Invitae), Labcorp
Classification: Uncertain significance for Alstrom syndrome. Last evaluated: 2023-01-28. Review status: criteria provided, single submitter. Criteria: Invitae Variant Classification Sherloc (09022015). Collection method: clinical testing. Allele origin: germline.
Comment: In summary, the available evidence is currently insufficient to determine the role of this variant in disease. Therefore, it has been classified as a Variant of Uncertain Significance. Experimental studies and prediction algorithms are not available or were not evaluated, and the functional significance of this variant is currently unknown. This variant has not been reported in the literature in individuals affected with ALMS1-related conditions. This variant is not present in population databases (gnomAD no frequency). This sequence change replaces glutamic acid, which is acidic and polar, with lysine, which is basic and polar, at codon 2757 of the ALMS1 protein (p.Glu2757Lys).